The following is an entry in ClinVar:

ClinVar aggregate classification (germline): Uncertain significance (1 of 4 stars; one submission).

Conditions:
Charcot-Marie-Tooth disease type 2R. Also called: CHARCOT-MARIE-TOOTH DISEASE, AXONAL, AUTOSOMAL RECESSIVE, TYPE 2R; Charcot-Marie-Tooth disease, axonal, type 2R; CHARCOT-MARIE-TOOTH NEUROPATHY, TYPE 2R. Identifiers: Orphanet 397968, MedGen C3809655, MONDO:0014208, OMIM 615490.

Allele frequency attached by ClinVar (database versions not stated): gnomAD exomes below 0.00001 and 0.00001; TOPMed 0.00001.
gnomAD v4.1: 9 of 1,614,026 alleles (0.00056%); highest among the groups gnomAD compares: Admixed American, 0.0017%; no homozygotes.

Submission:

Labcorp Genetics (formerly Invitae), Labcorp
Classification: Uncertain significance for Charcot-Marie-Tooth disease type 2R. Last evaluated: 2023-01-10. Review status: criteria provided, single submitter. Criteria: Invitae Variant Classification Sherloc (09022015). Collection method: clinical testing. Allele origin: germline.
Comment: In summary, the available evidence is currently insufficient to determine the role of this variant in disease. Therefore, it has been classified as a Variant of Uncertain Significance. Algorithms developed to predict the effect of missense changes on protein structure and function are either unavailable or do not agree on the potential impact of this missense change (SIFT: "Deleterious"; PolyPhen-2: "Possibly Damaging"; Align-GVGD: "Class C0"). ClinVar contains an entry for this variant (Variation ID: 1051668). This variant has not been reported in the literature in individuals affected with TRIM2-related conditions. This variant is present in population databases (no rsID available, gnomAD 0.0009%). This sequence change replaces aspartic acid, which is acidic and polar, with asparagine, which is neutral and polar, at codon 373 of the TRIM2 protein (p.Asp373Asn).

NM_015271.5(TRIM2):c.1198G>A (p.Asp400Asn)

Gene: TRIM2 (tripartite motif containing 2; plus strand). Cytogenetic location: 4q31.3.
Variant type: single nucleotide variant.
Coding change: c.1198G>A on transcript NM_015271.5 (MANE Select); coding-DNA position 1198, G replaced by A.
Protein change: p.Asp400Asn; replaces aspartic acid 400 with asparagine.
Molecular consequence: missense variant.
Genome position (GRCh38, 1-based): chr4:153,295,724, G>A. VCF-style: chr4-153295724-G-A. GRCh37 (hg19) VCF-style: chr4-154216876-G-A.
Other names: c.1117G>A, p.Asp373Asn (NM_001130067.2, NM_001351056.2, NM_001375512.1 and 5 more transcripts); c.1171G>A, p.Asp391Asn (NM_001351054.2); c.1168G>A, p.Asp390Asn (NM_001351055.2); c.742G>A, p.Asp248Asn (NM_001351057.2); c.1291G>A, p.Asp431Asn (NM_001375488.1); c.1288G>A, p.Asp430Asn (NM_001375489.1); c.1141G>A, p.Asp381Asn (NM_001375490.1); c.1138G>A, p.Asp380Asn (NM_001375491.1); and 3 more; short protein forms D248N, D287N, D288N, D289N, D373N, D380N, D381N, D390N.
Identifiers: ClinVar variation 1051668 (VCV001051668.8), dbSNP rs1341638291, ClinGen allele CA358473174.
Genomic context (GRCh38, chr4:153,295,724, plus strand): 5'-AAAGACGGTGAGCTGTGCAAAACCGGCAACGCCTACCTCACCGCCGAACTGAGCACCCCC[G>A]ACGGGAGCGTGGCAGACGGGGAGATCCTGGACAACAAGAACGGCACCTATGAGTTTTTGT-3'
Protein context (NP_056086.2, residues 390-410): AYLTAELSTP[Asp400Asn]GSVADGEILD